The following is an entry in ClinVar:

NM_000214.3(JAG1):c.659G>C (p.Cys220Ser)

Gene: JAG1 (jagged canonical Notch ligand 1; minus strand). Cytogenetic location: 20p12.2.
Variant type: single nucleotide variant.
Coding change: c.659G>C on transcript NM_000214.3 (MANE Select); coding-DNA position 659, G replaced by C.
Protein change: p.Cys220Ser; replaces cysteine 220 with serine.
Molecular consequence: missense variant.
Genome position (GRCh38, 1-based): chr20:10,658,503, C>G on the plus strand (G>C on the coding strand, the complement: JAG1 is on the minus strand). VCF-style: chr20-10658503-C-G. GRCh37 (hg19) VCF-style: chr20-10639151-C-G.
Other names: short protein forms C220S.
Identifiers: ClinVar variation 3573350 (VCV003573350.2).
Genomic context (GRCh38, chr20:10,658,503, plus strand): 5'-TGCACATGCACACACACACACATACCTCTGTTACATTCGGGGCCCATCCAGCCTTCCATG[C>G]AAGTTTTGTTGCCATTCTGGTCACAGGCATAGTGTCCAAAGAAGTCATCTCTGGGGCGGC-3'
Protein context (NP_000205.1, residues 210-230): YACDQNGNKT[Cys220Ser]MEGWMGPECN

Conditions:
Arteriohepatic dysplasia. Also called: Alagille Syndrome. Identifiers: Orphanet 52, MedGen C0085280, MeSH D016738, MONDO:0007318.

Submission:

Gilbert/Spinner Lab, Children's Hospital of Philadelphia
No classification provided (evidence only). Condition: Alagille syndrome. Review status: no classification provided. Collection method: research. Allele origin: not applicable. Functional consequence: functionally_abnormal.
ClinVar note: "not provided" was previously submitted as the classification for the variant. However, the classification appeared to be based only on an observation of functional data so it was converted to no classification on 2025-07-30.